The following is an entry in ClinVar:

NM_015910.7(WDPCP):c.2125G>A (p.Gly709Arg)

Gene: WDPCP (WD repeat containing planar cell polarity effector; minus strand). Cytogenetic location: 2p15.
Variant type: single nucleotide variant.
Coding change: c.2125G>A on transcript NM_015910.7 (MANE Select); coding-DNA position 2125, G replaced by A.
Protein change: p.Gly709Arg; replaces glycine 709 with arginine.
Molecular consequence: missense variant. On other transcripts: non-coding transcript variant (3).
Genome position (GRCh38, 1-based): chr2:63,153,528, C>T on the plus strand (G>A on the coding strand, the complement: WDPCP is on the minus strand). VCF-style: chr2-63153528-C-T. GRCh37 (hg19) VCF-style: chr2-63380663-C-T.
Other names: c.1648G>A, p.Gly550Arg (NM_001042692.3); c.2053G>A, p.Gly685Arg (NM_001354044.2); short protein forms G550R, G685R, G709R.
Identifiers: ClinVar variation 1489322 (VCV001489322.6), dbSNP rs1228276176, ClinGen allele CA347060750.

ClinVar aggregate classification (germline): Uncertain significance (1 of 4 stars; one submission).

Conditions:
Bardet-Biedl syndrome (BBS). Identifiers: Orphanet 110, MedGen C0752166, MONDO:0015229.

Allele frequency attached by ClinVar (database versions not stated): gnomAD exomes below 0.00001.
gnomAD v4.1: 1 of 1,612,524 alleles (0.000062%); highest among the groups gnomAD compares: Admixed American, 0.0017%; no homozygotes.

Submission:

Labcorp Genetics (formerly Invitae), Labcorp
Classification: Uncertain significance for Bardet-Biedl syndrome. Last evaluated: 2022-07-05. Review status: criteria provided, single submitter. Criteria: Invitae Variant Classification Sherloc (09022015). Collection method: clinical testing. Allele origin: germline.
Comment: In summary, the available evidence is currently insufficient to determine the role of this variant in disease. Therefore, it has been classified as a Variant of Uncertain Significance. Algorithms developed to predict the effect of sequence changes on RNA splicing suggest that this variant may disrupt the consensus splice site. Algorithms developed to predict the effect of missense changes on protein structure and function output the following: SIFT: "Tolerated"; PolyPhen-2: "Benign"; Align-GVGD: "Class C0". The arginine amino acid residue is found in multiple mammalian species, which suggests that this missense change does not adversely affect protein function. ClinVar contains an entry for this variant (Variation ID: 1489322). This variant has not been reported in the literature in individuals affected with WDPCP-related conditions. This variant is present in population databases (no rsID available, gnomAD 0.003%). This sequence change replaces glycine, which is neutral and non-polar, with arginine, which is basic and polar, at codon 709 of the WDPCP protein (p.Gly709Arg).